The following is an entry in ClinVar:

ClinVar aggregate classification (germline): Pathogenic (1 of 4 stars; one submission).

Submission:

Labcorp Genetics (formerly Invitae), Labcorp
Classification: Pathogenic. Last evaluated: 2023-05-30. Review status: criteria provided, single submitter. Criteria: Invitae Variant Classification Sherloc (09022015). Collection method: clinical testing. Allele origin: unknown.
Comment: For these reasons, this variant has been classified as Pathogenic. This variant has not been reported in the literature in individuals affected with TRIM37-related conditions. This variant is a gross deletion of the genomic region encompassing exon(s) 3-12 of the TRIM37 gene. This deletion is out-of-frame, and is expected to create a premature termination codon and result in an absent or disrupted protein product. Loss-of-function variants in TRIM37 are known to be pathogenic (PMID: 10888877, 15108285).

Literature cited by the submitters: PubMed 10888877; PubMed 15108285.

NC_000017.10:g.(?_57138373)_(57168721_?)del

Gene: TRIM37 (tripartite motif containing 37; minus strand). Cytogenetic location: 17q22.
Variant type: Deletion.
Identifiers: ClinVar variation 3243190 (VCV003243190.1).